The following is an entry in ClinVar:

ClinVar aggregate classification (germline): Likely pathogenic. Review status: criteria provided, multiple submitters, no conflicts (2 of 4 stars). 2 submissions from 2 submitters: Likely pathogenic (2). Last evaluated 2022-11-29.

Conditions:
Hypertrophic cardiomyopathy. Also called: HYPERTROPHIC MYOCARDIOPATHY. Identifiers: Orphanet 217569, MedGen C0007194, MeSH D002312, MONDO:0005045, HP:0001639.

Submissions (2):

Labcorp Genetics (formerly Invitae), Labcorp
Classification: Likely pathogenic for Hypertrophic cardiomyopathy. Last evaluated: 2022-11-29. Review status: criteria provided, single submitter. Criteria: Invitae Variant Classification Sherloc (09022015). Collection method: clinical testing. Allele origin: germline.
Comment: ClinVar contains an entry for this variant (Variation ID: 181375). This variant has not been reported in the literature in individuals affected with MYH7-related conditions. This sequence change replaces methionine, which is neutral and non-polar, with lysine, which is basic and polar, at codon 852 of the MYH7 protein (p.Met852Lys). This variant is not present in population databases (gnomAD no frequency). Advanced modeling of protein sequence and biophysical properties (such as structural, functional, and spatial information, amino acid conservation, physicochemical variation, residue mobility, and thermodynamic stability) performed at Invitae indicates that this missense variant is expected to disrupt MYH7 protein function. This variant disrupts the p.Met852 amino acid residue in MYH7. Other variant(s) that disrupt this residue have been determined to be pathogenic (PMID: 12707239, 18403758, 24093860, 27247418). This suggests that this residue is clinically significant, and that variants that disrupt this residue are likely to be disease-causing. In summary, the currently available evidence indicates that the variant is pathogenic, but additional data are needed to prove that conclusively. Therefore, this variant has been classified as Likely Pathogenic.

GeneDx
Classification: Likely pathogenic. Last evaluated: 2018-05-22. Review status: criteria provided, single submitter. Criteria: GeneDx Variant Classification (06012015). Collection method: clinical testing. Allele origin: germline. Affected: yes.
Comment: p.Met852Lys (ATG>AAG): c.2555 T>A in exon 22 of the MYH7 gene (NM_000257.2). While the M852K mutation in the MYH7 gene has not been reported to our knowledge, a mutation affecting this same residue, (M852T), has been reported in association with HCM and it was absent from more than 200 control chromosomes (Richard P et al., 2003; Gandjbakhch E et al., 2010). Additionally, mutations in nearby residues (R858P, R858C, R858G, A850D, A850T) have been reported in association with HCM, further supporting the functional importance of this residue and this region of the protein. M852K results in a non-conservative amino acid substitution, which is likely to impact secondary protein structure as these residues differ in polarity, charge, size and/or other properties. This substitution is conserved across species. In silico analysis predicts this variant is probably damaging to the protein structure/function. Furthermore, M852K was not observed in approximately 6,500 individuals of European and African American ancestry in the NHLBI Exome Sequencing Project, indicating it is not a common benign variant in these populations. In summary, M852K in the MYH7 gene is interpreted as a likely disease-causing mutation. The variant is found in CARDIOMYOPATHY panel(s).

Literature cited by the submitters: PubMed 12707239 (cited by Labcorp Genetics (formerly Invitae), Labcorp); PubMed 18403758 (cited by Labcorp Genetics (formerly Invitae), Labcorp); PubMed 24093860 (cited by Labcorp Genetics (formerly Invitae), Labcorp); PubMed 27247418 (cited by Labcorp Genetics (formerly Invitae), Labcorp).

NM_000257.4(MYH7):c.2555T>A (p.Met852Lys)

Genes: MYH7 (myosin heavy chain 7; minus strand), LOC126861898 (BRD4-independent group 4 enhancer GRCh37_chr14:23893609-23894808; plus strand). Cytogenetic location: 14q11.2.
Variant type: single nucleotide variant.
Coding change: c.2555T>A on transcript NM_000257.4 (MANE Select); coding-DNA position 2555, T replaced by A.
Protein change: p.Met852Lys; replaces methionine 852 with lysine.
Molecular consequence: missense variant.
Genome position (GRCh38, 1-based): chr14:23,424,893, A>T on the plus strand (T>A on the coding strand, the complement: MYH7 is on the minus strand). VCF-style: chr14-23424893-A-T. GRCh37 (hg19) VCF-style: chr14-23894102-A-T.
Other names: p.M852K:ATG>AAG; c.2555T>A (LRG_384t1); short protein forms M852K.
Identifiers: ClinVar variation 181375 (VCV000181375.10), dbSNP rs397516157, ClinGen allele CA012614.